The following is an entry in ClinVar:

ClinVar aggregate classification (germline): Uncertain significance (1 of 4 stars; one submission).

Submission:

CeGaT Center for Human Genetics Tuebingen
Classification: Uncertain significance. Last evaluated: 2024-01-01. Review status: criteria provided, single submitter. Criteria: CeGaT Center For Human Genetics Tuebingen Variant Classification Criteria Version 2. Collection method: clinical testing. Allele origin: germline. Affected: yes. Observed: 1 variant allele.
Comment: PHF6: PM2, PP2, PP3

NM_001015877.2(PHF6):c.114G>T (p.Lys38Asn)

Gene: PHF6 (PHD finger protein 6; plus strand). Cytogenetic location: Xq26.2.
Variant type: single nucleotide variant.
Coding change: c.114G>T on transcript NM_001015877.2 (MANE Select); coding-DNA position 114, G replaced by T.
Protein change: p.Lys38Asn; replaces lysine 38 with asparagine.
Molecular consequence: missense variant.
Genome position (GRCh38, 1-based): chrX:134,377,731, G>T. VCF-style: chrX-134377731-G-T. GRCh37 (hg19) VCF-style: chrX-133511761-G-T.
Other names: c.114G>T, p.Lys38Asn (NM_032335.3, NM_032458.3); short protein forms K38N.
Identifiers: ClinVar variation 3026999 (VCV003026999.22), dbSNP rs2520468088, ClinGen allele CA414710844.